The following is an entry in ClinVar:

NM_020791.4(TAOK1):c.1448A>G (p.Asn483Ser)

Gene: TAOK1 (TAO kinase 1; plus strand). Cytogenetic location: 17q11.2.
Variant type: single nucleotide variant.
Coding change: c.1448A>G on transcript NM_020791.4 (MANE Select); coding-DNA position 1448, A replaced by G.
Protein change: p.Asn483Ser; replaces asparagine 483 with serine.
Molecular consequence: missense variant.
Genome position (GRCh38, 1-based): chr17:29,508,005, A>G. VCF-style: chr17-29508005-A-G. GRCh37 (hg19) VCF-style: chr17-27835023-A-G.
Other names: c.1448A>G, p.Asn483Ser (NM_025142.1); short protein forms N483S.
Identifiers: ClinVar variation 5008381 (VCV005008381.1).

ClinVar aggregate classification (germline): Uncertain significance (1 of 4 stars; one submission).

gnomAD v4.1: 1 of 1,614,160 alleles (0.000062%); no homozygotes.

Submission:

GeneDx
Classification: Uncertain significance. Last evaluated: 2026-02-13. Review status: criteria provided, single submitter. Criteria: GeneDx Variant Classification Process June 2021. Collection method: clinical testing. Allele origin: germline.
Comment: Not observed at significant frequency in large population cohorts (gnomAD); In silico analysis suggests that this missense variant does not alter protein structure/function; Has not been previously published as pathogenic or benign to our knowledge